The following is an entry in ClinVar:

NM_001286.5(CLCN6):c.20C>T (p.Ser7Phe)

Gene: CLCN6 (chloride voltage-gated channel 6; plus strand). Cytogenetic location: 1p36.22.
Variant type: single nucleotide variant.
Coding change: c.20C>T on transcript NM_001286.5 (MANE Select); coding-DNA position 20, C replaced by T.
Protein change: p.Ser7Phe; replaces serine 7 with phenylalanine.
Molecular consequence: missense variant. On other transcripts: non-coding transcript variant (1).
Genome position (GRCh38, 1-based): chr1:11,806,282, C>T. VCF-style: chr1-11806282-C-T. GRCh37 (hg19) VCF-style: chr1-11866339-C-T.
Other names: c.20C>T, p.Ser7Phe (NM_001256959.2); short protein forms S7F.
Identifiers: ClinVar variation 2167789 (VCV002167789.4), dbSNP rs755256371, ClinGen allele CA595843.
Genomic context (GRCh38, chr1:11,806,282, plus strand): 5'-GGGGTTGGTAGAGGGGTCCAGAGTGGCAGTAAAGGAGGAAGATGGCGGGGTGCAGGGGGT[C>T]TCTGTGCTGCTGCTGCAGGTGGTGCTGCTGCTGCGGTGAGCGTGAGACCCGCACCCCCGA-3'
Protein context (NP_001277.2, residues 1-17): MAGCRG[Ser7Phe]LCCCCRWCCC

ClinVar aggregate classification (germline): Uncertain significance (1 of 4 stars; one submission).

Allele frequency attached by ClinVar (database versions not stated): gnomAD 0.00001; ExAC 0.00003.
gnomAD v4.1: 5 of 1,499,980 alleles (0.00033%); highest among the groups gnomAD compares: Admixed American, 0.0084%; no homozygotes.

Submission:

Labcorp Genetics (formerly Invitae), Labcorp
Classification: Uncertain significance. Last evaluated: 2025-08-09. Review status: criteria provided, single submitter. Criteria: Invitae Variant Classification Sherloc (09022015). Collection method: clinical testing. Allele origin: germline.
Comment: This sequence change replaces serine, which is neutral and polar, with phenylalanine, which is neutral and non-polar, at codon 7 of the CLCN6 protein (p.Ser7Phe). This variant is present in population databases (rs755256371, gnomAD 0.03%). This variant has not been reported in the literature in individuals affected with CLCN6-related conditions. ClinVar contains an entry for this variant (Variation ID: 2167789). Experimental studies and prediction algorithms are not available or were not evaluated, and the functional significance of this variant is currently unknown. In summary, the available evidence is currently insufficient to determine the role of this variant in disease. Therefore, it has been classified as a Variant of Uncertain Significance.